The following is an entry in ClinVar:

NM_014615.5(GSE1):c.2730G>A (p.Pro910=)

Gene: GSE1 (Gse1 coiled-coil protein; plus strand). Cytogenetic location: 16q24.1.
Variant type: single nucleotide variant.
Coding change: c.2730G>A on transcript NM_014615.5 (MANE Select); coding-DNA position 2730, G replaced by A.
Protein change: p.Pro910=; no amino-acid change (proline 910 retained).
Molecular consequence: synonymous variant.
Genome position (GRCh38, 1-based): chr16:85,665,100, G>A. VCF-style: chr16-85665100-G-A. GRCh37 (hg19) VCF-style: chr16-85698706-G-A.
Other names: c.2418G>A, p.Pro806= (NM_001134473.3); c.2511G>A, p.Pro837= (NM_001278184.3).
Identifiers: ClinVar variation 2672658 (VCV002672658.23), dbSNP rs768882973, ClinGen allele CA496813474.

ClinVar aggregate classification (germline): Likely benign (1 of 4 stars; one submission).

gnomAD v4.1: 16 of 1,609,462 alleles (0.00099%); highest among the groups gnomAD compares: African/African-American, 0.004%; no homozygotes.

Submission:

CeGaT Center for Human Genetics Tuebingen
Classification: Likely benign. Last evaluated: 2023-11-01. Review status: criteria provided, single submitter. Criteria: CeGaT Center For Human Genetics Tuebingen Variant Classification Criteria Version 2. Collection method: clinical testing. Allele origin: germline. Affected: yes. Observed: 1 variant allele.
Comment: GSE1: BP4, BP7